The following is an entry in ClinVar:

NM_004629.2(FANCG):c.1016A>G (p.His339Arg)

Gene: FANCG (FA complementation group G; minus strand). Cytogenetic location: 9p13.3.
Variant type: single nucleotide variant.
Coding change: c.1016A>G on transcript NM_004629.2 (MANE Select); coding-DNA position 1016, A replaced by G.
Protein change: p.His339Arg; replaces histidine 339 with arginine.
Molecular consequence: missense variant.
Genome position (GRCh38, 1-based): chr9:35,076,492, T>C on the plus strand (A>G on the coding strand, the complement: FANCG is on the minus strand). VCF-style: chr9-35076492-T-C. GRCh37 (hg19) VCF-style: chr9-35076489-T-C.
Other names: short protein forms H339R.
Identifiers: ClinVar variation 3597284 (VCV003597284.2).
Genomic context (GRCh38, chr9:35,076,492, plus strand): 5'-CTCCCCGTCTGTAGGCACCTGCTTGCTAGTATGTGCTTGGTCTGGCTCTGAGTGCCACAA[T>C]GAAGGGGTGAGGCTAGGTCAGGTGGTGGCAGTAGTAATTCTACCTCAATGAGAAACTGCG-3'
Protein context (NP_004620.1, residues 329-349): LPPPDLASPL[His339Arg]CGTQSQTKHI

ClinVar aggregate classification (germline): Uncertain significance. Review status: criteria provided, multiple submitters, no conflicts (2 of 4 stars). 2 submissions from 2 submitters: Uncertain significance (2). Last evaluated 2025-08-20.

Conditions:
Inborn genetic diseases. Identifiers: MedGen C0950123, MeSH D030342.
Fanconi anemia complementation group G. Also called: FANCG-Related Fanconi Anemia; Fanconi anemia group G. Identifiers: Orphanet 84, MedGen C3469527, MONDO:0013565, OMIM 614082.

gnomAD v4.1: 3 of 1,613,988 alleles (0.00019%); highest among the groups gnomAD compares: African/African-American, 0.0027%; no homozygotes.

Submissions (2):

Ambry Genetics
Classification: Uncertain significance for Inborn genetic diseases. Last evaluated: 2025-08-20. Review status: criteria provided, single submitter. Criteria: Ambry Variant Classification Scheme 2023. Collection method: clinical testing. Allele origin: germline.
Comment: The p.H339R variant (also known as c.1016A>G), located in coding exon 8 of the FANCG gene, results from an A to G substitution at nucleotide position 1016. The histidine at codon 339 is replaced by arginine, an amino acid with highly similar properties. This amino acid position is conserved. In addition, this alteration is predicted to be tolerated by in silico analysis. Based on the available evidence, the clinical significance of this variant remains unclear.

Fulgent Genetics
Classification: Uncertain significance for Fanconi anemia complementation group G. Last evaluated: 2024-06-10. Review status: criteria provided, single submitter. Criteria: ACMG Guidelines, 2015. Collection method: clinical testing. Allele origin: germline.